The following is an entry in ClinVar:

ClinVar aggregate classification (germline): Uncertain significance. Review status: criteria provided, multiple submitters, no conflicts (2 of 4 stars). 4 submissions from 4 submitters: Uncertain significance (4). Last evaluated 2025-10-14.

Conditions:
Familial thoracic aortic aneurysm and aortic dissection (TAAD). Also called: Thoracic aortic aneurysms and dissections. Identifiers: Orphanet 91387, MedGen C4707243, MONDO:0019625.
Aortic aneurysm, familial thoracic 7 (AAT7). Also called: AORTIC DISSECTION, FAMILIAL, WITH OR WITHOUT AORTIC ANEURYSM. Identifiers: MedGen C3151077, MONDO:0013418, OMIM 613780.

Allele frequency attached by ClinVar (database versions not stated): gnomAD exomes below 0.00001; gnomAD 0.00001; TOPMed 0.00001.

Submissions (4):

Labcorp Genetics (formerly Invitae), Labcorp
Classification: Uncertain significance for Aortic aneurysm, familial thoracic 7. Last evaluated: 2025-10-14. Review status: criteria provided, single submitter. Criteria: Invitae Variant Classification Sherloc (09022015). Collection method: clinical testing. Allele origin: germline.
Comment: This sequence change replaces serine, which is neutral and polar, with glycine, which is neutral and non-polar, at codon 287 of the MYLK protein (p.Ser287Gly). This variant is present in population databases (no rsID available, gnomAD 0.01%). This variant has not been reported in the literature in individuals affected with MYLK-related conditions. ClinVar contains an entry for this variant (Variation ID: 342900). Invitae Evidence Modeling of protein sequence and biophysical properties (such as structural, functional, and spatial information, amino acid conservation, physicochemical variation, residue mobility, and thermodynamic stability) indicates that this missense variant is not expected to disrupt MYLK protein function with a negative predictive value of 95%. In summary, the available evidence is currently insufficient to determine the role of this variant in disease. Therefore, it has been classified as a Variant of Uncertain Significance.

Ambry Genetics
Classification: Uncertain significance for Familial thoracic aortic aneurysm and aortic dissection. Last evaluated: 2024-09-04. Review status: criteria provided, single submitter. Criteria: Ambry Variant Classification Scheme 2023. Collection method: clinical testing. Allele origin: germline.
Comment: The p.S287G variant (also known as c.859A>G), located in coding exon 7 of the MYLK gene, results from an A to G substitution at nucleotide position 859. The serine at codon 287 is replaced by glycine, an amino acid with similar properties. This amino acid position is conserved. In addition, this alteration is predicted to be tolerated by in silico analysis. Based on the available evidence, the clinical significance of this variant remains unclear.

GeneDx
Classification: Uncertain significance. Last evaluated: 2023-10-24. Review status: criteria provided, single submitter. Criteria: GeneDx Variant Classification Process June 2021. Collection method: clinical testing. Allele origin: germline. Affected: yes.
Comment: Has not been previously published as pathogenic or benign to our knowledge; Not observed at significant frequency in large population cohorts (gnomAD); In silico analysis, which includes protein predictors and evolutionary conservation, supports that this variant does not alter protein structure/function

Illumina Laboratory Services, Illumina
Classification: Uncertain significance for Aortic aneurysm, familial thoracic 7. Last evaluated: 2018-01-13. Review status: criteria provided, single submitter. Criteria: ICSL Variant Classification Criteria 13 December 2019. Collection method: clinical testing. Allele origin: germline.

NM_053025.4(MYLK):c.859A>G (p.Ser287Gly)

Gene: MYLK (myosin light chain kinase; minus strand). Cytogenetic location: 3q21.1.
Variant type: single nucleotide variant.
Coding change: c.859A>G on transcript NM_053025.4 (MANE Select); coding-DNA position 859, A replaced by G.
Protein change: p.Ser287Gly; replaces serine 287 with glycine.
Molecular consequence: missense variant.
Genome position (GRCh38, 1-based): chr3:123,734,137, T>C on the plus strand (A>G on the coding strand, the complement: MYLK is on the minus strand). VCF-style: chr3-123734137-T-C. GRCh37 (hg19) VCF-style: chr3-123452984-T-C.
Other names: c.331A>G, p.Ser111Gly (NM_001321309.2); c.859A>G, p.Ser287Gly (NM_053026.4, NM_053027.4, NM_053028.4); short protein forms S287G, S111G.
Identifiers: ClinVar variation 342900 (VCV000342900.16), dbSNP rs886057865, ClinGen allele CA10617086.
Genomic context (GRCh38, chr3:123,734,137, plus strand): 5'-GTGGGGAGCCACCTCTCTGGGGGCTGGAGCAGTTCTTGCTTTTGGCTGCAGCCTCCAGAC[T>C]GTCCAGCTTCGACTCCTTTGAGATTACATTGGTCACCTCTTTCCTGACATCTGAATTGGT-3'
Protein context (NP_444253.3, residues 277-297): NVISKESKLD[Ser287Gly]LEAAAKSKNC